The following is an entry in ClinVar:

ClinVar aggregate classification (germline): Uncertain significance (1 of 4 stars; one submission).

Conditions:
Sulfite oxidase deficiency due to molybdenum cofactor deficiency type C. Also called: Molybdenum cofactor deficiency, complementation group C; Molybdenum cofactor deficiency C. Identifiers: Orphanet 308400, Orphanet 833, MedGen C1854990, MONDO:0014212, OMIM 615501.

Submission:

Labcorp Genetics (formerly Invitae), Labcorp
Classification: Uncertain significance for Sulfite oxidase deficiency due to molybdenum cofactor deficiency type C. Last evaluated: 2026-01-21. Review status: criteria provided, single submitter. Criteria: Invitae Variant Classification Sherloc (09022015). Collection method: clinical testing. Allele origin: germline.
Comment: This sequence change replaces proline, which is neutral and non-polar, with serine, which is neutral and polar, at codon 532 of the GPHN protein (p.Pro532Ser). This variant is not present in population databases (gnomAD no frequency). This missense change has been observed in individual(s) with clinical features of GPHN-related conditions (internal data). ClinVar contains an entry for this variant (Variation ID: 1400911). Invitae Evidence Modeling of protein sequence and biophysical properties (such as structural, functional, and spatial information, amino acid conservation, physicochemical variation, residue mobility, and thermodynamic stability) has been performed for this missense variant. However, the output from this modeling did not meet the statistical confidence thresholds required to predict the impact of this variant on GPHN protein function. In summary, the available evidence is currently insufficient to determine the role of this variant in disease. Therefore, it has been classified as a Variant of Uncertain Significance.

NM_020806.5(GPHN):c.1594C>T (p.Pro532Ser)

Gene: GPHN (gephyrin; plus strand). Cytogenetic location: 14q23.3.
Variant type: single nucleotide variant.
Coding change: c.1594C>T on transcript NM_020806.5 (MANE Select); coding-DNA position 1594, C replaced by T.
Protein change: p.Pro532Ser; replaces proline 532 with serine.
Molecular consequence: missense variant.
Genome position (GRCh38, 1-based): chr14:67,113,139, C>T. VCF-style: chr14-67113139-C-T. GRCh37 (hg19) VCF-style: chr14-67579856-C-T.
Other names: c.1495C>T, p.Pro499Ser (NM_001024218.2); c.1654C>T, p.Pro552Ser (NM_001377514.1); c.1624C>T, p.Pro542Ser (NM_001377515.1); c.1615C>T, p.Pro539Ser (NM_001377516.1); c.1567C>T, p.Pro523Ser (NM_001377517.1); c.1552C>T, p.Pro518Ser (NM_001377518.1); c.1534C>T, p.Pro512Ser (NM_001377519.1); short protein forms P523S, P512S, P532S, P539S, P552S, P499S, P518S, P542S.
Identifiers: ClinVar variation 1400911 (VCV001400911.8), dbSNP rs2078474378, ClinGen allele CA390258895.
Genomic context (GRCh38, chr14:67,113,139, plus strand): 5'-CCCTCAGAGATTGGTCTTCTGGCAACTGTAGGTGTCACAGAGGTTGAAGTTAATAAGTTT[C>T]CAGTGGTTGCAGTCATGTCAACAGGGAATGAGGTATTAAAAATAAAAATGGAGGGAGTGG-3'
Protein context (NP_065857.1, residues 522-542): GVTEVEVNKF[Pro532Ser]VVAVMSTGNE